The following is an entry in ClinVar:

ClinVar aggregate classification (germline): Uncertain significance (1 of 4 stars; one submission).

Conditions:
DYRK1B-related disorder. Also called: DYRK1B-related condition.

gnomAD v4.1: 4 of 1,602,728 alleles (0.00025%); highest among the groups gnomAD compares: African/African-American, 0.0054%; no homozygotes.

Submission:

PreventionGenetics, part of Exact Sciences
Classification: Uncertain significance for DYRK1B-related condition. Last evaluated: 2026-09-17. Review status: criteria provided, single submitter. Criteria: ACMG Guidelines, 2015. Collection method: clinical testing. Allele origin: germline.
Comment: The DYRK1B c.1741G>C variant is predicted to result in the amino acid substitution p.Ala581Pro. To our knowledge, this variant has not been reported in the literature or in a large population database (gnomAD), indicating this variant is rare. At this time, the clinical significance of this variant is uncertain due to the absence of conclusive functional and genetic evidence.

NM_004714.3(DYRK1B):c.1741G>C (p.Ala581Pro)

Gene: DYRK1B (dual specificity tyrosine phosphorylation regulated kinase 1B; minus strand). Cytogenetic location: 19q13.2.
Variant type: single nucleotide variant.
Coding change: c.1741G>C on transcript NM_004714.3 (MANE Select); coding-DNA position 1741, G replaced by C.
Protein change: p.Ala581Pro; replaces alanine 581 with proline.
Molecular consequence: missense variant.
Genome position (GRCh38, 1-based): chr19:39,825,864, C>G on the plus strand (G>C on the coding strand, the complement: DYRK1B is on the minus strand). VCF-style: chr19-39825864-C-G. GRCh37 (hg19) VCF-style: chr19-40316504-C-G.
Other names: c.1621G>C, p.Ala541Pro (NM_006483.3); c.1657G>C, p.Ala553Pro (NM_006484.3); short protein forms A541P, A581P, A553P.
Identifiers: ClinVar variation 4984473 (VCV004984473.1).